The following is an entry in ClinVar:

ClinVar aggregate classification (germline): Uncertain significance (1 of 4 stars; one submission).

Submission:

Labcorp Genetics (formerly Invitae), Labcorp
Classification: Uncertain significance. Last evaluated: 2025-06-11. Review status: criteria provided, single submitter. Criteria: Invitae Variant Classification Sherloc (09022015). Collection method: clinical testing. Allele origin: germline.
Comment: This sequence change falls in intron 2 of the RPL15 gene. It does not directly change the encoded amino acid sequence of the RPL15 protein. Information on the frequency of this variant in the gnomAD database is not available, as this variant may be reported differently in the database. This variant has not been reported in the literature in individuals affected with RPL15-related conditions. ClinVar contains an entry for this variant (Variation ID: 2425077). Experimental studies and prediction algorithms are not available or were not evaluated, and the effect of this variant on mRNA splicing is currently unknown. In summary, the available evidence is currently insufficient to determine the role of this variant in disease. Therefore, it has been classified as a Variant of Uncertain Significance.

NM_002948.5(RPL15):c.173-19_173-18delinsTT

Genes: NKIRAS1 (NFKB inhibitor interacting Ras like 1; minus strand), RPL15 (ribosomal protein L15; plus strand). Cytogenetic location: 3p24.2.
Variant type: Indel.
Coding change: c.173-19_173-18delinsTT on transcript NM_002948.5 (MANE Select); 19 bases into the intron before coding-DNA position 173 through 18 bases into the intron before coding-DNA position 173, CG replaced by TT.
Molecular consequence: intron variant.
Genome position (GRCh38, 1-based): chr3:23,918,421-23,918,422, CG replaced by TT. VCF-style: chr3-23918421-CG-TT. GRCh37 (hg19) VCF-style: chr3-23959912-CG-TT.
Other names: c.-139-6972_-139-6971delinsAA (NM_001377380.1); c.173-19_173-18delinsTT (NM_001253384.2, NM_001253379.2, NM_001253380.2 and 2 more transcripts).
Identifiers: ClinVar variation 2425077 (VCV002425077.42), dbSNP rs2471220557, ClinGen allele CA2580069198.